The following is an entry in ClinVar:

ClinVar aggregate classification (germline): Pathogenic. Review status: criteria provided, single submitter (1 of 4 stars). 2 submissions from 2 submitters: Pathogenic (1). 1 of the submissions does not count toward it. Last evaluated 2024-01-25.

Conditions:
Alkaptonuria (AKU). Also called: HOMOGENTISIC ACID OXIDASE DEFICIENCY; Alcaptonuria; Homogentisic acidura; Alkaptonuric ochronosis. Identifiers: Orphanet 56, MedGen C0002066, MONDO:0008753, OMIM 203500.

Submissions (2):

Labcorp Genetics (formerly Invitae), Labcorp
Classification: Pathogenic for Alkaptonuria. Last evaluated: 2024-01-25. Review status: criteria provided, single submitter. Criteria: Invitae Variant Classification Sherloc (09022015). Collection method: clinical testing. Allele origin: germline.
Comment: This variant results in the deletion of part of exon 6 (c.413_434+35del) of the HGD gene. It is expected to disrupt RNA splicing. Variants that disrupt the donor or acceptor splice site typically lead to a loss of protein function (PMID: 16199547), and loss-of-function variants in HGD are known to be pathogenic (PMID: 12501223, 19862842). This variant is present in population databases (no rsID available, gnomAD 0.0009%). This variant has been observed in individuals with alkaptonuria (PMID: 19862842). ClinVar contains an entry for this variant (Variation ID: 2180413). This variant disrupts a region of the HGD protein in which other variant(s) (p.Cys138Tyr) have been observed in individuals with HGD-related conditions (PMID: 33621656). This suggests that this is a clinically significant region of the protein, and that variants that disrupt it are likely to be disease-causing. For these reasons, this variant has been classified as Pathogenic.

Department Of Human Genetics, Institute Of Clinical And Translational Research, Biomedical Research Center, Slovak Academy Of Sciences
Classification: Pathogenic for Alkaptonuria. Review status: no assertion criteria provided. Collection method: research. Allele origin: germline. Inheritance: Autosomal recessive inheritance. Affected: yes. Observed: 2 variant alleles. Not counted in ClinVar's aggregate classification.
Comment: The variant was originally described in PMID:19862842. It has been submitted to the HGD gene mutation database (DB-ID: AKU_00037).

Literature cited by the submitters: PubMed 16199547 (cited by Labcorp Genetics (formerly Invitae), Labcorp); PubMed 12501223 (cited by Labcorp Genetics (formerly Invitae), Labcorp); PubMed 19862842 (cited by Labcorp Genetics (formerly Invitae), Labcorp and Department Of Human Genetics, Institute Of Clinical And Translational Research, Biomedical Research Center, Slovak Academy Of Sciences); PubMed 33621656 (cited by Labcorp Genetics (formerly Invitae), Labcorp).

NM_000187.4(HGD):c.413_434+35del

Gene: HGD (homogentisate 1,2-dioxygenase; minus strand). Cytogenetic location: 3q13.33.
Variant type: Deletion.
Coding change: c.413_434+35del on transcript NM_000187.4 (MANE Select); coding-DNA position 413 through 35 bases into the intron after coding-DNA position 434, 57 bases deleted.
Molecular consequence: splice donor variant.
Genome position (GRCh38, 1-based): chr3:120,650,739-120,650,795, 57 bases deleted. GRCh37 (hg19): chr3:120,369,587-120,369,643.
Identifiers: ClinVar variation 2180413 (VCV002180413.6), dbSNP rs1559790127, ClinGen allele CA545609526.